The following is an entry in ClinVar:

NM_020247.5(COQ8A):c.827A>G (p.Lys276Arg)

Gene: COQ8A (coenzyme Q8A; plus strand). Cytogenetic location: 1q42.13.
Variant type: single nucleotide variant.
Coding change: c.827A>G on transcript NM_020247.5 (MANE Select); coding-DNA position 827, A replaced by G.
Protein change: p.Lys276Arg; replaces lysine 276 with arginine.
Molecular consequence: missense variant.
Genome position (GRCh38, 1-based): chr1:226,982,123, A>G. VCF-style: chr1-226982123-A-G. GRCh37 (hg19) VCF-style: chr1-227169824-A-G.
Other names: short protein forms K276R.
Identifiers: ClinVar variation 4685514 (VCV004685514.1).

ClinVar aggregate classification (germline): Pathogenic (1 of 4 stars; one submission).

Conditions:
Autosomal recessive ataxia due to ubiquinone deficiency. Also called: SPINOCEREBELLAR ATAXIA, AUTOSOMAL RECESSIVE 9; Coenzyme Q10 deficiency, primary, 4. Identifiers: Orphanet 139485, MedGen C2677589, MONDO:0012784, OMIM 612016.

gnomAD v4.1: 2 of 1,604,062 alleles (0.00012%); highest among the groups gnomAD compares: African/African-American, 0.0013%; no homozygotes.

Submission:

Imagene.me medical diagnostic laboratory, IMAGENE.ME SA
Classification: Pathogenic for Autosomal recessive ataxia due to ubiquinone deficiency. Review status: criteria provided, single submitter. Criteria: IMAGENE.ME Variant Classification SOP 2022. Collection method: clinical testing. Allele origin: germline. Affected: yes.
Comment: Classified according to the IMAGENE.ME variant classification SOP based on the ACMG guidelines as Pathogenic (P): PS4_Supporting + PM1 + PM2 + PM3 + PP3_Moderate + PP4